The following is an entry in ClinVar:

ClinVar aggregate classification (germline): Benign. Review status: criteria provided, multiple submitters, no conflicts (2 of 4 stars). 3 submissions from 3 submitters: Benign (2). 1 of the submissions does not count toward it. Last evaluated 2019-12-31.

Conditions:
PTPRT-related disorder. Also called: PTPRT-related condition.

Allele frequency attached by ClinVar (database versions not stated): gnomAD exomes 0.00201 and 0.00484; ExAC 0.00580; gnomAD 0.01600 and 0.01698; ESP Exome Variant Server 0.01670; 1000 Genomes Project 30x 0.01671; 1000 Genomes Project 0.01697; TOPMed 0.01772.
gnomAD v4.1: 5,483 of 1,610,364 alleles (0.34%); highest among the groups gnomAD compares: African/African-American, 5.5%; 146 homozygotes.

Submissions (3):

Labcorp Genetics (formerly Invitae), Labcorp
Classification: Benign. Last evaluated: 2019-12-31. Review status: criteria provided, single submitter. Criteria: Invitae Variant Classification Sherloc (09022015). Collection method: clinical testing. Allele origin: germline.

Breakthrough Genomics
Classification: Benign. Review status: criteria provided, single submitter. Criteria: ACMG Guidelines, 2015. Collection method: not provided. Allele origin: germline. Inheritance: Unknown mechanism. Affected: yes.

PreventionGenetics, part of Exact Sciences
Classification: Benign for PTPRT-related condition. Last evaluated: 2019-02-19. Review status: no assertion criteria provided. Collection method: clinical testing. Allele origin: germline. Not counted in ClinVar's aggregate classification.
Comment: This variant is classified as benign based on ACMG/AMP sequence variant interpretation guidelines (Richards et al. 2015 PMID: 25741868, with internal and published modifications).

NM_007050.6(PTPRT):c.120C>T (p.Asn40=)

Gene: PTPRT (protein tyrosine phosphatase receptor type T; minus strand). Cytogenetic location: 20q12.
Variant type: single nucleotide variant.
Coding change: c.120C>T on transcript NM_007050.6 (MANE Select); coding-DNA position 120, C replaced by T.
Protein change: p.Asn40=; no amino-acid change (asparagine 40 retained).
Molecular consequence: synonymous variant.
Genome position (GRCh38, 1-based): chr20:42,885,901, G>A on the plus strand (C>T on the coding strand, the complement: PTPRT is on the minus strand). VCF-style: chr20-42885901-G-A. GRCh37 (hg19) VCF-style: chr20-41514541-G-A.
Other names: c.120C>T, p.Asn40= (NM_133170.4).
Identifiers: ClinVar variation 778883 (VCV000778883.7), dbSNP rs6030543, ClinGen allele CA9864911.